The following is an entry in ClinVar:

NM_002907.4(RECQL):c.880C>A (p.Pro294Thr)

Gene: RECQL (RecQ like helicase; minus strand). Cytogenetic location: 12p12.1.
Variant type: single nucleotide variant.
Coding change: c.880C>A on transcript NM_002907.4 (MANE Select); coding-DNA position 880, C replaced by A.
Protein change: p.Pro294Thr; replaces proline 294 with threonine.
Molecular consequence: missense variant.
Genome position (GRCh38, 1-based): chr12:21,476,980, G>T on the plus strand (C>A on the coding strand, the complement: RECQL is on the minus strand). VCF-style: chr12-21476980-G-T. GRCh37 (hg19) VCF-style: chr12-21629914-G-T.
Other names: c.880C>A, p.Pro294Thr (NM_032941.3); short protein forms P294T.
Identifiers: ClinVar variation 1501807 (VCV001501807.10), dbSNP rs769346919, ClinGen allele CA6478925.
Genomic context (GRCh38, chr12:21,476,980, plus strand): 5'-CTTTGTATCTCCCATTAATGAGCTTTACAATATCCTCAATAAAATCTTCAGTGTTTGAGG[G>T]CTTCTGCCGAACCTAAAAAAAACTTAACTTATTAAAAAGTAAATGAATGAGTACCATCCA-3'
Protein context (NP_002898.2, residues 284-304): PNLYYEVRQK[Pro294Thr]SNTEDFIEDI

ClinVar aggregate classification (germline): Uncertain significance. Review status: criteria provided, multiple submitters, no conflicts (2 of 4 stars). 2 submissions from 2 submitters: Uncertain significance (2). Last evaluated 2022-05-07.

Allele frequency attached by ClinVar (database versions not stated): TOPMed below 0.00001; ExAC 0.00001; gnomAD 0.00001.

Submissions (2):

Ambry Genetics
Classification: Uncertain significance. Last evaluated: 2022-05-07. Review status: criteria provided, single submitter. Criteria: Ambry Variant Classification Scheme 2023. Collection method: clinical testing. Allele origin: germline.
Comment: The p.P294T variant (also known as c.880C>A), located in coding exon 7 of the RECQL gene, results from a C to A substitution at nucleotide position 880. The proline at codon 294 is replaced by threonine, an amino acid with highly similar properties. This amino acid position is conserved. In addition, the in silico prediction for this alteration is inconclusive. Since supporting evidence is limited at this time, the clinical significance of this alteration remains unclear.

Labcorp Genetics (formerly Invitae), Labcorp
Classification: Uncertain significance. Last evaluated: 2022-03-26. Review status: criteria provided, single submitter. Criteria: Invitae Variant Classification Sherloc (09022015). Collection method: clinical testing. Allele origin: germline.
Comment: This sequence change replaces proline, which is neutral and non-polar, with threonine, which is neutral and polar, at codon 294 of the RECQL protein (p.Pro294Thr). This variant is present in population databases (rs769346919, gnomAD 0.0009%). This variant has not been reported in the literature in individuals affected with RECQL-related conditions. Algorithms developed to predict the effect of missense changes on protein structure and function are either unavailable or do not agree on the potential impact of this missense change (SIFT: "Tolerated"; PolyPhen-2: "Possibly Damaging"; Align-GVGD: "Class C0"). In summary, the available evidence is currently insufficient to determine the role of this variant in disease. Therefore, it has been classified as a Variant of Uncertain Significance.